The following is an entry in ClinVar:

ClinVar aggregate classification (germline): Uncertain significance. Review status: criteria provided, multiple submitters, no conflicts (2 of 4 stars). 2 submissions from 2 submitters: Uncertain significance (2). Last evaluated 2022-06-14.

Conditions:
Inborn genetic diseases. Identifiers: MedGen C0950123, MeSH D030342.
Dyskeratosis congenita, autosomal dominant 6 (DKCA6). Identifiers: Orphanet 3322, MedGen C4225284, MONDO:0014690, OMIM 616553.

Allele frequency attached by ClinVar (database versions not stated): TOPMed below 0.00001; gnomAD 0.00001.

Submissions (2):

Labcorp Genetics (formerly Invitae), Labcorp
Classification: Uncertain significance for Dyskeratosis congenita, autosomal dominant 6. Last evaluated: 2022-06-14. Review status: criteria provided, single submitter. Criteria: Invitae Variant Classification Sherloc (09022015). Collection method: clinical testing. Allele origin: germline.
Comment: In summary, the available evidence is currently insufficient to determine the role of this variant in disease. Therefore, it has been classified as a Variant of Uncertain Significance. Algorithms developed to predict the effect of missense changes on protein structure and function output the following: SIFT: "Tolerated"; PolyPhen-2: "Benign"; Align-GVGD: "Class C0". The arginine amino acid residue is found in multiple mammalian species, which suggests that this missense change does not adversely affect protein function. This variant has not been reported in the literature in individuals affected with ACD-related conditions. This variant is not present in population databases (gnomAD no frequency). This sequence change replaces cysteine, which is neutral and slightly polar, with arginine, which is basic and polar, at codon 298 of the ACD protein (p.Cys298Arg).

Ambry Genetics
Classification: Uncertain significance for Inborn genetic diseases. Last evaluated: 2022-01-15. Review status: criteria provided, single submitter. Criteria: Ambry Variant Classification Scheme 2023. Collection method: clinical testing. Allele origin: germline.
Comment: The p.C298R variant (also known as c.892T>C), located in coding exon 7 of the ACD gene, results from a T to C substitution at nucleotide position 892. The cysteine at codon 298 is replaced by arginine, an amino acid with highly dissimilar properties. This amino acid position is conserved. In addition, this alteration is predicted to be tolerated by in silico analysis. Since supporting evidence is limited at this time, the clinical significance of this alteration remains unclear.

NM_001082486.2(ACD):c.634T>C (p.Cys212Arg)

Gene: ACD (ACD shelterin complex subunit and telomerase recruitment factor; minus strand). Cytogenetic location: 16q22.1.
Variant type: single nucleotide variant.
Coding change: c.634T>C on transcript NM_001082486.2 (MANE Select); coding-DNA position 634, T replaced by C.
Protein change: p.Cys212Arg; replaces cysteine 212 with arginine.
Molecular consequence: missense variant.
Genome position (GRCh38, 1-based): chr16:67,658,939, A>G on the plus strand (T>C on the coding strand, the complement: ACD is on the minus strand). VCF-style: chr16-67658939-A-G. GRCh37 (hg19) VCF-style: chr16-67692842-A-G.
Other names: c.634T>C, p.Cys212Arg (NM_001410884.1); c.625T>C, p.Cys209Arg (NM_022914.3); short protein forms C212R, C209R.
Identifiers: ClinVar variation 1765158 (VCV001765158.7), dbSNP rs1412778636, ClinGen allele CA396353887.